The following is an entry in ClinVar:

ClinVar aggregate classification (germline): Benign (0 of 4 stars; one submission).

Conditions:
HDLBP-related disorder. Also called: HDLBP-related condition.

Allele frequency attached by ClinVar (database versions not stated): ExAC 0.03909; gnomAD 0.11408; 1000 Genomes Project 0.12360; ESP Exome Variant Server 0.12825; TOPMed 0.12967; 1000 Genomes Project 30x 0.13101.
gnomAD v4.1: 36,880 of 1,614,026 alleles (2.3%); highest among the groups gnomAD compares: African/African-American, 39%; 6,162 homozygotes.

Submission:

PreventionGenetics, part of Exact Sciences
Classification: Benign for HDLBP-related condition. Last evaluated: 2019-11-11. Review status: no assertion criteria provided. Collection method: clinical testing. Allele origin: germline.
Comment: This variant is classified as benign based on ACMG/AMP sequence variant interpretation guidelines (Richards et al. 2015 PMID: 25741868, with internal and published modifications).

NM_005336.6(HDLBP):c.3276C>T (p.Asp1092=)

Genes: ANO7 (anoctamin 7; plus strand), HDLBP (high density lipoprotein binding protein; minus strand). Cytogenetic location: 2q37.3.
Variant type: single nucleotide variant.
Coding change: c.3276C>T on transcript NM_005336.6 (MANE Select); coding-DNA position 3276, C replaced by T.
Protein change: p.Asp1092=; no amino-acid change (aspartic acid 1092 retained).
Molecular consequence: synonymous variant.
Genome position (GRCh38, 1-based): chr2:241,233,832, G>A on the plus strand (C>T on the coding strand, the complement: HDLBP is on the minus strand). VCF-style: chr2-241233832-G-A. GRCh37 (hg19) VCF-style: chr2-242173247-G-A.
Other names: c.3177C>T, p.Asp1059= (NM_001243900.3); c.3276C>T, p.Asp1092= (NM_001320965.3, NM_001320966.3, NM_001320967.3 and 1 more transcripts).
Identifiers: ClinVar variation 3057037 (VCV003057037.2), dbSNP rs2230359, ClinGen allele CA2216061.